The following is an entry in ClinVar:

NM_001035.3(RYR2):c.2517G>A (p.Glu839=)

Gene: RYR2 (ryanodine receptor 2; plus strand). Cytogenetic location: 1q43.
Variant type: single nucleotide variant.
Coding change: c.2517G>A on transcript NM_001035.3 (MANE Select); coding-DNA position 2517, G replaced by A.
Protein change: p.Glu839=; no amino-acid change (glutamic acid 839 retained).
Molecular consequence: synonymous variant.
Genome position (GRCh38, 1-based): chr1:237,503,409, G>A. VCF-style: chr1-237503409-G-A. GRCh37 (hg19) VCF-style: chr1-237666709-G-A.
Identifiers: ClinVar variation 1171103 (VCV001171103.4), dbSNP rs2150494100, ClinGen allele CA423816438.

ClinVar aggregate classification (germline): Likely benign. Review status: criteria provided, multiple submitters, no conflicts (2 of 4 stars). 3 submissions from 3 submitters: Likely benign (3). Last evaluated 2026-01-21.

Conditions:
Catecholaminergic polymorphic ventricular tachycardia (CVPT). Also called: Catecholamine-induced polymorphic ventricular tachycardia. Identifiers: Orphanet 3286, MedGen C5574922, MONDO:0017990.
Cardiomyopathy (CMYO). Also called: Cardiomyopathies. Identifiers: Orphanet 167848, MedGen C0878544, MONDO:0004994, HP:0001638. Inheritance: Various modes of inheritance.
Catecholaminergic polymorphic ventricular tachycardia 1. Also called: VENTRICULAR TACHYCARDIA, STRESS-INDUCED POLYMORPHIC 1; VENTRICULAR TACHYCARDIA, CATECHOLAMINERGIC POLYMORPHIC, 1, WITH OR WITHOUT ATRIAL DYSFUNCTION AND/OR DILATED CARDIOMYOPATHY; RYR2-Related Catecholaminergic Polymorphic Ventricular Tachycardia. Identifiers: Orphanet 3286, MedGen C1631597, MONDO:0011484, OMIM 604772.

Submissions (3):

Labcorp Genetics (formerly Invitae), Labcorp
Classification: Likely benign for Catecholaminergic polymorphic ventricular tachycardia 1. Last evaluated: 2026-01-21. Review status: criteria provided, single submitter. Criteria: Invitae Variant Classification Sherloc (09022015). Collection method: clinical testing. Allele origin: germline.

All of Us Research Program, National Institutes of Health
Classification: Likely benign for Catecholaminergic polymorphic ventricular tachycardia. Last evaluated: 2024-06-11. Review status: criteria provided, single submitter. Criteria: ACMG Guidelines, 2015. Collection method: clinical testing. Allele origin: germline. Inheritance: Autosomal dominant inheritance. Observed: 1 variant allele, 1 heterozygote.
Comment: This study involves interpretation of variants in research participants for the purpose of population health screening. Participant phenotype was not available at the time of variant classification. Additional details can be found in publication PMID: 35346344, PMCID: PMC8962531

Color Diagnostics, LLC DBA Color Health
Classification: Likely benign for Cardiomyopathy. Last evaluated: 2020-08-24. Review status: criteria provided, single submitter. Criteria: ACMG Guidelines, 2015. Collection method: clinical testing. Allele origin: germline.